The following is an entry in ClinVar:

ClinVar aggregate classification (germline): Uncertain significance (1 of 4 stars; one submission).

Submission:

Ambry Genetics
Classification: Uncertain significance. Last evaluated: 2025-08-28. Review status: criteria provided, single submitter. Criteria: Ambry Variant Classification Scheme 2023. Collection method: clinical testing. Allele origin: germline.
Comment: The p.G255C variant (also known as c.763G>T), located in coding exon 8 of the ILK gene, results from a G to T substitution at nucleotide position 763. The glycine at codon 255 is replaced by cysteine, an amino acid with highly dissimilar properties. This amino acid position is conserved. In addition, this alteration is predicted to be deleterious by in silico analysis. Based on the available evidence, the clinical significance of this variant remains unclear.

NM_004517.4(ILK):c.763G>T (p.Gly255Cys)

Genes: TAF10 (TATA-box binding protein associated factor 10; minus strand), ILK (integrin linked kinase; plus strand). Cytogenetic location: 11p15.4.
Variant type: single nucleotide variant.
Coding change: c.763G>T on transcript NM_004517.4 (MANE Select); coding-DNA position 763, G replaced by T.
Protein change: p.Gly255Cys; replaces glycine 255 with cysteine.
Molecular consequence: missense variant. On other transcripts: 3 prime UTR variant (1).
Genome position (GRCh38, 1-based): chr11:6,609,546, G>T. VCF-style: chr11-6609546-G-T. GRCh37 (hg19) VCF-style: chr11-6630777-G-T.
Other names: c.763G>T, p.Gly255Cys (NM_001014794.3, NM_001014795.3); c.580G>T, p.Gly194Cys (NM_001278441.2); c.361G>T, p.Gly121Cys (NM_001278442.2); c.*1376C>A (NM_006284.4); short protein forms G194C, G255C, G121C.
Identifiers: ClinVar variation 4275253 (VCV004275253.1).
Genomic context (GRCh38, chr11:6,609,546, plus strand): 5'-TCTCAACCACTCCCTCCCTCTTCTAGGATTTTCTCGCATCCAAATGTGCTCCCAGTGCTA[G>T]GTGCCTGCCAGTCTCCACCTGCTCCTCATCCTACTCTCATCACACACTGGATGCCGTATG-3'
Protein context (NP_004508.1, residues 245-265): FSHPNVLPVL[Gly255Cys]ACQSPPAPHP